The following is an entry in ClinVar:

ClinVar aggregate classification (germline): Uncertain significance. Review status: criteria provided, multiple submitters, no conflicts (2 of 4 stars). 2 submissions from 2 submitters: Uncertain significance (2). Last evaluated 2016-06-06.

Conditions:
Autosomal dominant nonsyndromic hearing loss 12. Also called: DEAFNESS, AUTOSOMAL DOMINANT 8. Identifiers: Orphanet 90635, MedGen C1832187, MONDO:0011102, OMIM 601543.

Submissions (2):

Laboratory for Molecular Medicine, Mass General Brigham Personalized Medicine
Classification: Uncertain significance. Last evaluated: 2016-06-06. Review status: criteria provided, single submitter. Criteria: LMM Criteria. Collection method: clinical testing. Allele origin: germline. Observed: 5 variant alleles.
Comment: The p.Gly2078Val variant in TECTA has not been previously reported in individual s with hearing loss and was absent from large population studies. Computational prediction tools and conservation analyses suggest that this variant may impact the protein, though this information is not predictive enough to determine patho genicity. In summary, the clinical significance of the p.Gly2078Val variant is u ncertain.

Precision Medicine Center, Zhengzhou University
Classification: Uncertain significance for Autosomal dominant nonsyndromic hearing loss 12. Last evaluated: 2006-06-30. Review status: criteria provided, single submitter. Criteria: ClinGen HL ACMG Specifications v1. Collection method: clinical testing. Allele origin: de novo. Affected: yes.
Comment: PM2: The TECTA c.6233G>T variant is absent or extremely rare in population databases (PM2). However, there is currently insufficient evidence to establish its pathogenicity, as no functional data, segregation evidence, de novo occurrence, or case enrichment have been reported. According to the ACMG/AMP guidelines, this variant is classified as a Variant of Uncertain Significance (VUS).

NM_005422.4(TECTA):c.6233G>T (p.Gly2078Val)

Genes: TBCEL-TECTA (TBCEL-TECTA readthrough; plus strand), TECTA (tectorin alpha; plus strand). Cytogenetic location: 11q23.3.
Variant type: single nucleotide variant.
Coding change: c.6233G>T on transcript NM_005422.4 (MANE Select); coding-DNA position 6233, G replaced by T.
Protein change: p.Gly2078Val; replaces glycine 2078 with valine.
Molecular consequence: missense variant.
Genome position (GRCh38, 1-based): chr11:121,189,150, G>T. VCF-style: chr11-121189150-G-T. GRCh37 (hg19) VCF-style: chr11-121059859-G-T.
Other names: c.7175G>T, p.Gly2392Val (NM_001378761.1); short protein forms G2078V, G2392V.
Identifiers: ClinVar variation 505072 (VCV000505072.6), dbSNP rs1555132399, ClinGen allele CA383010050.